The following is an entry in ClinVar:

NM_006939.4(SOS2):c.2084T>C (p.Val695Ala)

Gene: SOS2 (SOS Ras/Rho guanine nucleotide exchange factor 2; minus strand). Cytogenetic location: 14q21.3.
Variant type: single nucleotide variant.
Coding change: c.2084T>C on transcript NM_006939.4 (MANE Select); coding-DNA position 2084, T replaced by C.
Protein change: p.Val695Ala; replaces valine 695 with alanine.
Molecular consequence: missense variant.
Genome position (GRCh38, 1-based): chr14:50,153,147, A>G on the plus strand (T>C on the coding strand, the complement: SOS2 is on the minus strand). VCF-style: chr14-50153147-A-G. GRCh37 (hg19) VCF-style: chr14-50619865-A-G.
Other names: c.1985T>C, p.Val662Ala (NM_001411020.1); short protein forms V662A, V695A.
Identifiers: ClinVar variation 2429054 (VCV002429054.5), dbSNP rs1884713798, ClinGen allele CA389644260.
Genomic context (GRCh38, chr14:50,153,147, plus strand): 5'-AAGGATTCTAGTCTTTCAAGCAATTCCAAGTCTCTTTCAAAGTCATAAAAATGATGTTCA[A>G]CCCAATGCCGAAATACATTTAAGATCCTGATAAAATGGAAAGAAACACATTTTAGTGAAA-3'
Protein context (NP_008870.2, residues 685-705): LRILNVFRHW[Val695Ala]EHHFYDFERD

ClinVar aggregate classification (germline): Uncertain significance (1 of 4 stars; one submission).

Allele frequency attached by ClinVar (database versions not stated): gnomAD exomes below 0.00001; TOPMed below 0.00001.
gnomAD v4.1: 1 of 1,602,784 alleles (0.000062%); highest among the groups gnomAD compares: East Asian, 0.0022%; no homozygotes.

Submission:

Greenwood Genetic Center Diagnostic Laboratories, Greenwood Genetic Center
Classification: Uncertain significance. Last evaluated: 2022-12-30. Review status: criteria provided, single submitter. Criteria: ACMG Guidelines, 2015. Collection method: clinical testing. Allele origin: germline. Affected: yes.
Comment: PM2